The following is an entry in ClinVar:

NM_002900.3(RBP3):c.462C>A (p.His154Gln)

Gene: RBP3 (retinol binding protein 3; plus strand). Cytogenetic location: 10q11.22.
Variant type: single nucleotide variant.
Coding change: c.462C>A on transcript NM_002900.3 (MANE Select); coding-DNA position 462, C replaced by A.
Protein change: p.His154Gln; replaces histidine 154 with glutamine.
Molecular consequence: missense variant.
Genome position (GRCh38, 1-based): chr10:47,348,946, C>A. VCF-style: chr10-47348946-C-A. GRCh37 (hg19) VCF-style: chr10-48390416-G-T.
Other names: c.462C>A (NM_002900.2); short protein forms H154Q.
Identifiers: ClinVar variation 1364826 (VCV001364826.8), dbSNP rs1360716758, ClinGen allele CA376665106.

ClinVar aggregate classification (germline): Uncertain significance. Review status: criteria provided, multiple submitters, no conflicts (2 of 4 stars). 2 submissions from 2 submitters: Uncertain significance (2). Last evaluated 2023-06-14.

Conditions:
Inborn genetic diseases. Identifiers: MedGen C0950123, MeSH D030342.

Allele frequency attached by ClinVar (database versions not stated): gnomAD exomes below 0.00001.
gnomAD v4.1: 3 of 1,613,896 alleles (0.00019%); highest among the groups gnomAD compares: African/African-American, 0.0013%; no homozygotes.

Submissions (2):

Ambry Genetics
Classification: Uncertain significance for Inborn genetic diseases. Last evaluated: 2023-06-14. Review status: criteria provided, single submitter. Criteria: Ambry Variant Classification Scheme 2023. Collection method: clinical testing. Allele origin: germline.

Labcorp Genetics (formerly Invitae), Labcorp
Classification: Uncertain significance. Last evaluated: 2021-08-27. Review status: criteria provided, single submitter. Criteria: Invitae Variant Classification Sherloc (09022015). Collection method: clinical testing. Allele origin: germline.
Comment: This sequence change replaces histidine with glutamine at codon 154 of the RBP3 protein (p.His154Gln). The histidine residue is weakly conserved and there is a small physicochemical difference between histidine and glutamine. This variant is not present in population databases (ExAC no frequency). This variant has not been reported in the literature in individuals affected with RBP3-related conditions. Algorithms developed to predict the effect of missense changes on protein structure and function are either unavailable or do not agree on the potential impact of this missense change (SIFT: "Tolerated"; PolyPhen-2: "Probably Damaging"; Align-GVGD: "Class C0"). In summary, the available evidence is currently insufficient to determine the role of this variant in disease. Therefore, it has been classified as a Variant of Uncertain Significance.